The following is an entry in ClinVar:

ClinVar aggregate classification (germline): Uncertain significance (1 of 4 stars; one submission).

Submission:

Labcorp Genetics (formerly Invitae), Labcorp
Classification: Uncertain significance. Last evaluated: 2023-11-28. Review status: criteria provided, single submitter. Criteria: Invitae Variant Classification Sherloc (09022015). Collection method: clinical testing. Allele origin: germline.
Comment: This sequence change falls in intron 2 of the LAMB1 gene. It does not directly change the encoded amino acid sequence of the LAMB1 protein. It affects a nucleotide within the consensus splice site. This variant is not present in population databases (gnomAD no frequency). This variant has not been reported in the literature in individuals affected with LAMB1-related conditions. Variants that disrupt the consensus splice site are a relatively common cause of aberrant splicing (PMID: 17576681, 9536098). Algorithms developed to predict the effect of sequence changes on RNA splicing suggest that this variant may disrupt the consensus splice site. In summary, the available evidence is currently insufficient to determine the role of this variant in disease. Therefore, it has been classified as a Variant of Uncertain Significance.

Literature cited by the submitters: PubMed 17576681; PubMed 9536098.

NM_002291.3(LAMB1):c.37+4A>G

Gene: LAMB1 (laminin subunit beta 1; minus strand). Cytogenetic location: 7q31.1.
Variant type: single nucleotide variant.
Coding change: c.37+4A>G on transcript NM_002291.3 (MANE Select); 4 bases into the intron after coding-DNA position 37, A replaced by G.
Molecular consequence: intron variant.
Genome position (GRCh38, 1-based): chr7:108,002,845, T>C on the plus strand (A>G on the coding strand, the complement: LAMB1 is on the minus strand). VCF-style: chr7-108002845-T-C. GRCh37 (hg19) VCF-style: chr7-107643290-T-C.
Identifiers: ClinVar variation 2761648 (VCV002761648.3), dbSNP rs2535539211, ClinGen allele CA2697557494.